The following is an entry in ClinVar:

ClinVar aggregate classification (germline): Likely benign (1 of 4 stars; one submission).

Allele frequency attached by ClinVar (database versions not stated): TOPMed below 0.00001; gnomAD 0.00001; ExAC 0.00002.
gnomAD v4.1: 6 of 1,611,616 alleles (0.00037%); highest among the groups gnomAD compares: South Asian, 0.0033%; no homozygotes.

Submission:

Women's Health and Genetics/Laboratory Corporation of America, LabCorp
Classification: Likely benign. Last evaluated: 2023-08-22. Review status: criteria provided, single submitter. Criteria: LabCorp Variant Classification Summary - May 2015. Collection method: clinical testing. Allele origin: germline.
Comment: Variant summary: ITGA7 c.3184-16C>G alters a non-conserved nucleotide located at a position not widely known to affect splicing. 3/4 computational tools predict no significant impact on normal splicing and 1/4 predict the variant significantly weakens a canonical 3' splice acceptor site. However, these predictions have yet to be confirmed by functional studies. The variant allele was found at a frequency of 8e-06 in 250434 control chromosomes (gnomAD). The available data on variant occurrences in the general population are insufficient to allow any conclusion about variant significance. To our knowledge, no occurrence of c.3184-16C>G in individuals affected with Congenital Muscular Dystrophy Due To Integrin Alpha-7 Deficiency and no experimental evidence demonstrating its impact on protein function have been reported. No submitters have cited clinical-significance assessments for this variant to ClinVar after 2014. Based on the evidence outlined above, the variant was classified as likely benign.

NM_002206.3(ITGA7):c.3184-16C>G

Gene: ITGA7 (integrin subunit alpha 7; minus strand). Cytogenetic location: 12q13.2.
Variant type: single nucleotide variant.
Coding change: c.3184-16C>G on transcript NM_002206.3 (MANE Select); 16 bases into the intron before coding-DNA position 3184, C replaced by G.
Molecular consequence: intron variant.
Genome position (GRCh38, 1-based): chr12:55,685,304, G>C on the plus strand (C>G on the coding strand, the complement: ITGA7 is on the minus strand). VCF-style: chr12-55685304-G-C. GRCh37 (hg19) VCF-style: chr12-56079088-G-C.
Other names: c.2905-16C>G (NM_001144997.2); c.2857-16C>G (NM_001367993.1); c.2845-16C>G (NM_001414035.1); c.3001-16C>G (NM_001414033.1); c.1840-16C>G (NM_001367994.1); c.3064-16C>G (NM_001414032.1); c.3097-16C>G (NM_001414031.1); c.3166-16C>G (NM_001374465.1); and 5 more.
Identifiers: ClinVar variation 2581288 (VCV002581288.1), dbSNP rs755212443, ClinGen allele CA6615280.